The following is an entry in ClinVar:

NM_001267550.2(TTN):c.48402A>C (p.Lys16134Asn)

Genes: TTN (titin; minus strand), TTN-AS1 (TTN antisense RNA 1; plus strand). Cytogenetic location: 2q31.2.
Variant type: single nucleotide variant.
Coding change: c.48402A>C on transcript NM_001267550.2 (MANE Select); coding-DNA position 48402, A replaced by C.
Protein change: p.Lys16134Asn; replaces lysine 16134 with asparagine.
Molecular consequence: missense variant.
Genome position (GRCh38, 1-based): chr2:178,615,699, T>G on the plus strand (A>C on the coding strand, the complement: TTN is on the minus strand). VCF-style: chr2-178615699-T-G. GRCh37 (hg19) VCF-style: chr2-179480426-T-G.
Other names: c.43479A>C, p.Lys14493Asn (NM_001256850.1); c.21207A>C, p.Lys7069Asn (NM_003319.4); c.40698A>C, p.Lys13566Asn (NM_133378.4); c.21582A>C, p.Lys7194Asn (NM_133432.3); c.21783A>C, p.Lys7261Asn (NM_133437.4); short protein forms K14493N, K16134N, K7194N, K13566N, K7261N, K7069N.
Identifiers: ClinVar variation 4978189 (VCV004978189.1).

ClinVar aggregate classification (germline): Uncertain significance (1 of 4 stars; one submission).

Conditions:
TTN-related disorder. Also called: TTN-related condition; TTN-related disease; TTN-related disorders.

gnomAD v4.1: 2 of 1,612,424 alleles (0.00012%); highest among the groups gnomAD compares: African/African-American, 0.0027%; no homozygotes.

Submission:

PreventionGenetics, part of Exact Sciences
Classification: Uncertain significance for TTN-related condition. Last evaluated: 2025-11-16. Review status: criteria provided, single submitter. Criteria: ACMG Guidelines, 2015. Collection method: clinical testing. Allele origin: germline.
Comment: The TTN c.48402A>C variant is predicted to result in the amino acid substitution p.Lys16134Asn. To our knowledge, this variant has not been reported in the literature. This variant is reported in 0.0065% of alleles in individuals of African descent in gnomAD. At this time, the clinical significance of this variant is uncertain due to the absence of conclusive functional and genetic evidence.